The following is an entry in ClinVar:

NM_024529.5(CDC73):c.719G>A (p.Ser240Asn)

Gene: CDC73 (cell division cycle 73; plus strand). Cytogenetic location: 1q31.2.
Variant type: single nucleotide variant.
Coding change: c.719G>A on transcript NM_024529.5 (MANE Select); coding-DNA position 719, G replaced by A.
Protein change: p.Ser240Asn; replaces serine 240 with asparagine.
Molecular consequence: missense variant.
Genome position (GRCh38, 1-based): chr1:193,142,056, G>A. VCF-style: chr1-193142056-G-A. GRCh37 (hg19) VCF-style: chr1-193111186-G-A.
Other names: short protein forms S240N.
Identifiers: ClinVar variation 3708830 (VCV003708830.4).

ClinVar aggregate classification (germline): Uncertain significance. Review status: criteria provided, multiple submitters, no conflicts (2 of 4 stars). 3 submissions from 3 submitters: Uncertain significance (3). Last evaluated 2026-06-18.

Conditions:
Parathyroid carcinoma (PRTC). Also called: CDC73-Related Parathyroid Carcinoma; Parathyroid gland carcinoma. Identifiers: Orphanet 143, MedGen C0687150, MONDO:0012004, OMIM 608266, HP:0006780.
Hereditary cancer-predisposing syndrome. Also called: Tumor predisposition; Hereditary neoplastic syndrome; Hereditary Cancer Syndrome; Neoplastic Syndromes, Hereditary. Identifiers: Orphanet 140162, MedGen C0027672, MeSH D009386, MONDO:0015356.

gnomAD v4.1: 4 of 1,611,390 alleles (0.00025%); highest among the groups gnomAD compares: Non-Finnish European, 0.00034%; no homozygotes.

Submissions (3):

Ambry Genetics
Classification: Uncertain significance for Hereditary cancer-predisposing syndrome. Last evaluated: 2026-06-18. Review status: criteria provided, single submitter. Criteria: Ambry Variant Classification Scheme 2023. Collection method: clinical testing. Allele origin: germline.
Comment: The p.S240N variant (also known as c.719G>A), located in coding exon 7 of the CDC73 gene, results from a G to A substitution at nucleotide position 719. The serine at codon 240 is replaced by asparagine, an amino acid with highly similar properties. This amino acid position is conserved. In addition, the in silico prediction for this alteration is inconclusive. Based on the available evidence, the clinical significance of this variant remains unclear.

Labcorp Genetics (formerly Invitae), Labcorp
Classification: Uncertain significance for Parathyroid carcinoma. Last evaluated: 2024-08-01. Review status: criteria provided, single submitter. Criteria: Invitae Variant Classification Sherloc (09022015). Collection method: clinical testing. Allele origin: germline.
Comment: This sequence change replaces serine, which is neutral and polar, with asparagine, which is neutral and polar, at codon 240 of the CDC73 protein (p.Ser240Asn). This variant is not present in population databases (gnomAD no frequency). This variant has not been reported in the literature in individuals affected with CDC73-related conditions. Advanced modeling of protein sequence and biophysical properties (such as structural, functional, and spatial information, amino acid conservation, physicochemical variation, residue mobility, and thermodynamic stability) performed at Invitae indicates that this missense variant is expected to disrupt CDC73 protein function with a positive predictive value of 80%. In summary, the available evidence is currently insufficient to determine the role of this variant in disease. Therefore, it has been classified as a Variant of Uncertain Significance.

Blueprint Genetics
Classification: Uncertain significance. Last evaluated: 2024-01-15. Review status: criteria provided, single submitter. Criteria: ACMG Guidelines, 2015. Collection method: clinical testing. Allele origin: germline.